The following is an entry in ClinVar:

NM_205861.3(DHDDS):c.205G>A (p.Gly69Ser)

Gene: DHDDS (dehydrodolichyl diphosphate synthase subunit; plus strand). Cytogenetic location: 1p36.11.
Variant type: single nucleotide variant.
Coding change: c.205G>A on transcript NM_205861.3 (MANE Select); coding-DNA position 205, G replaced by A.
Protein change: p.Gly69Ser; replaces glycine 69 with serine.
Molecular consequence: missense variant. On other transcripts: 5 prime UTR variant (1).
Genome position (GRCh38, 1-based): chr1:26,442,755, G>A. VCF-style: chr1-26442755-G-A. GRCh37 (hg19) VCF-style: chr1-26769246-G-A.
Other names: c.205G>A, p.Gly69Ser (NM_001243564.2, NM_001243565.2, NM_024887.4); c.-75G>A (NM_001319959.2); short protein forms G69S.
Identifiers: ClinVar variation 3769882 (VCV003769882.2).

ClinVar aggregate classification (germline): Uncertain significance (1 of 4 stars; one submission).

gnomAD v4.1: 2 of 1,613,960 alleles (0.00012%); highest among the groups gnomAD compares: Admixed American, 0.0017%; no homozygotes.

Submission:

GeneDx
Classification: Uncertain significance. Last evaluated: 2025-03-20. Review status: criteria provided, single submitter. Criteria: GeneDx Variant Classification Process June 2021. Collection method: clinical testing. Allele origin: germline.
Comment: Not observed at significant frequency in large population cohorts (gnomAD); In silico analysis supports that this missense variant has a deleterious effect on protein structure/function; Has not been previously published as pathogenic or benign to our knowledge